The following is an entry in ClinVar:

NM_145868.2(ANXA11):c.1409G>C (p.Arg470Thr)

Gene: ANXA11 (annexin A11; minus strand). Cytogenetic location: 10q22.3.
Variant type: single nucleotide variant.
Coding change: c.1409G>C on transcript NM_145868.2 (MANE Select); coding-DNA position 1409, G replaced by C.
Protein change: p.Arg470Thr; replaces arginine 470 with threonine.
Molecular consequence: missense variant.
Genome position (GRCh38, 1-based): chr10:80,157,690, C>G on the plus strand (G>C on the coding strand, the complement: ANXA11 is on the minus strand). VCF-style: chr10-80157690-C-G. GRCh37 (hg19) VCF-style: chr10-81917446-C-G.
Other names: c.1409G>C, p.Arg470Thr (NM_001157.3, NM_001278407.2, NM_001278408.2 and 1 more transcripts); c.1310G>C, p.Arg437Thr (NM_001278409.2); short protein forms R437T, R470T.
Identifiers: ClinVar variation 3875696 (VCV003875696.2).

ClinVar aggregate classification (germline): Uncertain significance. Review status: criteria provided, multiple submitters, no conflicts (2 of 4 stars). 2 submissions from 2 submitters: Uncertain significance (2). Last evaluated 2025-09-27.

Conditions:
Inborn genetic diseases. Identifiers: MedGen C0950123, MeSH D030342.

Submissions (2):

Labcorp Genetics (formerly Invitae), Labcorp
Classification: Uncertain significance. Last evaluated: 2025-09-27. Review status: criteria provided, single submitter. Criteria: Invitae Variant Classification Sherloc (09022015). Collection method: clinical testing. Allele origin: germline.
Comment: This sequence change replaces arginine, which is basic and polar, with threonine, which is neutral and polar, at codon 470 of the ANXA11 protein (p.Arg470Thr). This variant is present in population databases (rs371825050, gnomAD 0.05%). This variant has not been reported in the literature in individuals affected with ANXA11-related conditions. ClinVar contains an entry for this variant (Variation ID: 3875696). An algorithm developed to predict the effect of missense changes on protein structure and function (PolyPhen-2) suggests that this variant is likely to be disruptive. In summary, the available evidence is currently insufficient to determine the role of this variant in disease. Therefore, it has been classified as a Variant of Uncertain Significance.

Ambry Genetics
Classification: Uncertain significance for Inborn genetic diseases. Last evaluated: 2025-01-28. Review status: criteria provided, single submitter. Criteria: Ambry Variant Classification Scheme 2023. Collection method: clinical testing. Allele origin: germline.